The following is an entry in ClinVar:

NM_001283009.2(RTEL1):c.1722+1G>A

Genes: RTEL1 (regulator of telomere elongation helicase 1; plus strand), RTEL1-TNFRSF6B (RTEL1-TNFRSF6B readthrough (NMD candidate); plus strand). Cytogenetic location: 20q13.33.
Variant type: single nucleotide variant.
Coding change: c.1722+1G>A on transcript NM_001283009.2 (MANE Select); the canonical splice donor site of the intron after coding-DNA position 1722, G replaced by A.
Molecular consequence: splice donor variant.
Genome position (GRCh38, 1-based): chr20:63,688,387, G>A. VCF-style: chr20-63688387-G-A. GRCh37 (hg19) VCF-style: chr20-62319740-G-A.
Other names: c.1053+1G>A (NM_001283010.1); c.1794+1G>A (NM_032957.5); c.1722+1G>A (NM_016434.4).
Identifiers: ClinVar variation 3344634 (VCV003344634.1).
Genomic context (GRCh38, chr20:63,688,387, plus strand): 5'-GGGCTCCTGATCTTCTTCCCTTCCTATCCTGTCATGGAGAAGAGCCTGGAGTTCTGGCGG[G>A]TGCGTCTCCCCTGTGTTCTGGGCGGGGTGGGTGAGGGCAGGGCTGGAGCATGAAGCAGGC-3'

ClinVar aggregate classification (germline): Likely pathogenic (0 of 4 stars; one submission).

Conditions:
RTEL1-related disorder. Also called: RTEL1-related condition; RTEL1-related disorders.

Submission:

PreventionGenetics, part of Exact Sciences
Classification: Likely pathogenic for RTEL1-related condition. Last evaluated: 2024-09-19. Review status: no assertion criteria provided. Collection method: clinical testing. Allele origin: germline.
Comment: The RTEL1 c.1794+1G>A variant is predicted to disrupt the GT donor site and interfere with normal splicing. To our knowledge, this variant has not been reported in the literature or in a large population database, indicating this variant is rare. Variants that disrupt the consensus splice donor site in RTEL1 are expected to be pathogenic. This variant is interpreted as likely pathogenic.